The following is an entry in ClinVar:

NM_000059.4(BRCA2):c.1288G>C (p.Asp430His)

Gene: BRCA2 (BRCA2 DNA repair associated; plus strand). Cytogenetic location: 13q13.1.
Variant type: single nucleotide variant.
Coding change: c.1288G>C on transcript NM_000059.4 (MANE Select); coding-DNA position 1288, G replaced by C.
Protein change: p.Asp430His; replaces aspartic acid 430 with histidine.
Molecular consequence: missense variant.
Genome position (GRCh38, 1-based): chr13:32,332,766, G>C. VCF-style: chr13-32332766-G-C. GRCh37 (hg19) VCF-style: chr13-32906903-G-C.
Other names: c.1288G>C, p.Asp430His (NM_001406719.1, NM_001406720.1, NM_001406721.1); short protein forms D430H.
Identifiers: ClinVar variation 2044547 (VCV002044547.6), dbSNP rs2137469625, ClinGen allele CA387762461.

ClinVar aggregate classification (germline): Conflicting classifications of pathogenicity. Review status: criteria provided, conflicting classifications (1 of 4 stars). 2 submissions from 2 submitters: Uncertain significance (1); Likely benign (1). Last evaluated 2023-03-23.

Conditions:
Hereditary cancer-predisposing syndrome. Also called: Neoplastic Syndromes, Hereditary; Hereditary Cancer Syndrome; Hereditary neoplastic syndrome; Tumor predisposition. Identifiers: Orphanet 140162, MedGen C0027672, MeSH D009386, MONDO:0015356.
Hereditary breast ovarian cancer syndrome. Also called: Hereditary breast and ovarian cancer syndrome; Hereditary breast and/or ovarian cancer syndrome; BRCA1- and BRCA2-Associated Hereditary Breast and Ovarian Cancer; Hereditary breast and ovarian cancer syndrome (HBOC); Hereditary breast and ovarian cancer; Breast and ovarian cancer. Identifiers: Orphanet 145, MedGen C0677776, MeSH D061325, MONDO:0003582. Disease mechanism: loss of function.

Submissions (2):

University of Washington Department of Laboratory Medicine, University of Washington
Classification: Likely benign for Hereditary cancer-predisposing syndrome. Last evaluated: 2023-03-23. Review status: criteria provided, single submitter. Criteria: Dines et al. (Genet Med. 2020). Collection method: curation. Allele origin: germline.
Comment: Missense variant in a coldspot region where missense variants are very unlikely to be pathogenic (PMID:31911673).

BRCA2 exon 10 coldspot. Reclassification based on statistical prior probability.

Labcorp Genetics (formerly Invitae), Labcorp
Classification: Uncertain significance for Hereditary breast ovarian cancer syndrome. Last evaluated: 2021-12-17. Review status: criteria provided, single submitter. Criteria: Invitae Variant Classification Sherloc (09022015). Collection method: clinical testing. Allele origin: germline.
Comment: This variant is not present in population databases (gnomAD no frequency). In summary, the available evidence is currently insufficient to determine the role of this variant in disease. Therefore, it has been classified as a Variant of Uncertain Significance. Advanced modeling of protein sequence and biophysical properties (such as structural, functional, and spatial information, amino acid conservation, physicochemical variation, residue mobility, and thermodynamic stability) performed at Invitae indicates that this missense variant is not expected to disrupt BRCA2 protein function. This variant has not been reported in the literature in individuals affected with BRCA2-related conditions. This sequence change replaces aspartic acid, which is acidic and polar, with histidine, which is basic and polar, at codon 430 of the BRCA2 protein (p.Asp430His).